The following is an entry in ClinVar:

ClinVar aggregate classification (germline): Uncertain significance (1 of 4 stars; one submission).

gnomAD v4.1: 11 of 1,612,088 alleles (0.00068%); highest among the groups gnomAD compares: Admixed American, 0.0033%; no homozygotes.

Submission:

GeneDx
Classification: Uncertain significance. Last evaluated: 2023-04-12. Review status: criteria provided, single submitter. Criteria: GeneDx Variant Classification Process June 2021. Collection method: clinical testing. Allele origin: germline. Affected: yes.
Comment: Not observed at significant frequency in large population cohorts (gnomAD); Missense variant in a gene in which most reported pathogenic variants are truncating/loss of function; Has not been previously published as pathogenic or benign to our knowledge

NM_001267550.2(TTN):c.84401G>A (p.Arg28134His)

Genes: TTN (titin; minus strand), TTN-AS1 (TTN antisense RNA 1; plus strand). Cytogenetic location: 2q31.2.
Variant type: single nucleotide variant.
Coding change: c.84401G>A on transcript NM_001267550.2 (MANE Select); coding-DNA position 84401, G replaced by A.
Protein change: p.Arg28134His; replaces arginine 28134 with histidine.
Molecular consequence: missense variant.
Genome position (GRCh38, 1-based): chr2:178,561,731, C>T on the plus strand (G>A on the coding strand, the complement: TTN is on the minus strand). VCF-style: chr2-178561731-C-T. GRCh37 (hg19) VCF-style: chr2-179426458-C-T.
Other names: c.79478G>A, p.Arg26493His (NM_001256850.1); c.57206G>A, p.Arg19069His (NM_003319.4); c.76697G>A, p.Arg25566His (NM_133378.4); c.57581G>A, p.Arg19194His (NM_133432.3); c.57782G>A, p.Arg19261His (NM_133437.4); short protein forms R19069H, R19194H, R19261H, R25566H, R26493H, R28134H.
Identifiers: ClinVar variation 1722879 (VCV001722879.3), dbSNP rs777785413, ClinGen allele CA1988780.